The following is an entry in ClinVar:

NM_001360.3(DHCR7):c.964-5C>T

Gene: DHCR7 (7-dehydrocholesterol reductase; minus strand). Cytogenetic location: 11q13.4.
Variant type: single nucleotide variant.
Coding change: c.964-5C>T on transcript NM_001360.3 (MANE Select); 5 bases into the intron before coding-DNA position 964, C replaced by T.
Molecular consequence: intron variant.
Genome position (GRCh38, 1-based): chr11:71,435,844, G>A on the plus strand (C>T on the coding strand, the complement: DHCR7 is on the minus strand). VCF-style: chr11-71435844-G-A. GRCh37 (hg19) VCF-style: chr11-71146890-G-A.
Other names: c.964-5C>T (NM_001163817.2, NM_001360.2).
Identifiers: ClinVar variation 439594 (VCV000439594.14), dbSNP rs767108226, ClinGen allele CA6162348.

ClinVar aggregate classification (germline): Conflicting classifications of pathogenicity. Review status: criteria provided, conflicting classifications (1 of 4 stars). 4 submissions from 4 submitters: Uncertain significance (1); Likely benign (3). Last evaluated 2023-06-14.

Conditions:
Smith-Lemli-Opitz syndrome (SLOS). Also called: 7-Dehydrocholesterol reductase deficiency; LETHAL ACRODYSGENITAL SYNDROME; POLYDACTYLY, SEX REVERSAL, RENAL HYPOPLASIA, AND UNILOBAR LUNG; RSH SYNDROME; RUTLEDGE LETHAL MULTIPLE CONGENITAL ANOMALY SYNDROME. Identifiers: Orphanet 818, MedGen C0175694, MONDO:0010035, OMIM 270400.
Inborn genetic diseases. Identifiers: MedGen C0950123, MeSH D030342.

Allele frequency attached by ClinVar (database versions not stated): ExAC 0.00001; gnomAD exomes 0.00001; gnomAD 0.00005; TOPMed 0.00005.
gnomAD v4.1: 8 of 1,597,674 alleles (0.0005%); highest among the groups gnomAD compares: African/African-American, 0.011%; no homozygotes.

Submissions (4):

Labcorp Genetics (formerly Invitae), Labcorp
Classification: Likely benign for Smith-Lemli-Opitz syndrome. Last evaluated: 2023-06-14. Review status: criteria provided, single submitter. Criteria: Invitae Variant Classification Sherloc (09022015). Collection method: clinical testing. Allele origin: germline.

Ambry Genetics
Classification: Uncertain significance for Inborn genetic diseases. Last evaluated: 2022-05-14. Review status: criteria provided, single submitter. Criteria: Ambry Variant Classification Scheme 2023. Collection method: clinical testing. Allele origin: germline.
Comment: The c.964-5C>T intronic alteration consists of a C to T substitution 5 nucleotides before exon 9 (coding exon 7) of the DHCR7 gene. Based on insufficient or conflicting evidence, the clinical significance of this alteration remains unclear.

Fulgent Genetics
Classification: Likely benign for Smith-Lemli-Opitz syndrome. Last evaluated: 2021-08-12. Review status: criteria provided, single submitter. Criteria: ACMG Guidelines, 2015. Collection method: clinical testing. Allele origin: unknown.

ARUP Laboratories, Molecular Genetics and Genomics, ARUP Laboratories
Classification: Likely benign. Last evaluated: 2017-03-14. Review status: criteria provided, single submitter. Criteria: ARUP Molecular Germline Variant Investigation Process. Collection method: clinical testing. Allele origin: germline.